The following is an entry in ClinVar:

NM_000292.3(PHKA2):c.2084C>T (p.Ser695Phe)

Gene: PHKA2 (phosphorylase kinase regulatory subunit alpha 2; minus strand). Cytogenetic location: Xp22.13.
Variant type: single nucleotide variant.
Coding change: c.2084C>T on transcript NM_000292.3 (MANE Select); coding-DNA position 2084, C replaced by T.
Protein change: p.Ser695Phe; replaces serine 695 with phenylalanine.
Molecular consequence: missense variant.
Genome position (GRCh38, 1-based): chrX:18,918,734, G>A on the plus strand (C>T on the coding strand, the complement: PHKA2 is on the minus strand). VCF-style: chrX-18918734-G-A. GRCh37 (hg19) VCF-style: chrX-18936852-G-A.
Other names: short protein forms S695F.
Identifiers: ClinVar variation 1696120 (VCV001696120.2), dbSNP rs767559014, ClinGen allele CA10361735.

ClinVar aggregate classification (germline): Uncertain significance. Review status: criteria provided, multiple submitters, no conflicts (2 of 4 stars). 2 submissions from 2 submitters: Uncertain significance (2). Last evaluated 2026-08-12.

Conditions:
Inborn genetic diseases. Identifiers: MedGen C0950123, MeSH D030342.

Allele frequency attached by ClinVar (database versions not stated): gnomAD exomes 0.00001; ExAC 0.00001; gnomAD 0.00004; TOPMed 0.00002.
gnomAD v4.1: 18 of 1,208,760 alleles (0.0015%); highest among the groups gnomAD compares: Non-Finnish European, 0.002%; no homozygotes.

Submissions (2):

Ambry Genetics
Classification: Uncertain significance for Inborn genetic diseases. Last evaluated: 2026-08-12. Review status: criteria provided, single submitter. Criteria: Ambry Variant Classification Scheme 2023. Collection method: clinical testing. Allele origin: germline.
Comment: The c.2084C>T (p.S695F) alteration is located in exon 19 (coding exon 19) of the PHKA2 gene. This alteration results from a C to T substitution at nucleotide position 2084, causing the serine (S) at amino acid position 695 to be replaced by a phenylalanine (F). Based on data from gnomAD, the T allele has an overall frequency of <0.001% (1/183367) total alleles studied. The highest observed frequency was 0.001% (1/81831) of European (non-Finnish) alleles. Based on insufficient or conflicting evidence, the clinical significance of this alteration remains unclear.

Women's Health and Genetics/Laboratory Corporation of America, LabCorp
Classification: Uncertain significance. Last evaluated: 2022-05-03. Review status: criteria provided, single submitter. Criteria: LabCorp Variant Classification Summary - May 2015. Collection method: clinical testing. Allele origin: germline.